The following is an entry in ClinVar:

ClinVar aggregate classification (germline): Likely pathogenic. Review status: criteria provided, single submitter (1 of 4 stars). 2 submissions from 2 submitters: Likely pathogenic (1). 1 of the submissions does not count toward it. Last evaluated 2023-11-20.

Conditions:
Testosterone 17-beta-dehydrogenase deficiency. Also called: 17 alpha ketosteroid reductase deficiency of testis; 17 alpha KSR deficiency; Neutral 17 beta hydroxysteroid oxidoreductase deficiency; Male pseudoherma-phroditism with gynecomastia; 46,XY disorder of sex development due to 17-beta-hydroxysteroid dehydrogenase 3 deficiency; Pseudohermaphroditism male with gynecomastia. Identifiers: Orphanet 752, MedGen C0268296, MONDO:0009916, OMIM 264300. Disease mechanism: loss of function.

Allele frequency attached by ClinVar (database versions not stated): gnomAD exomes 0.00001; ExAC 0.00002.
gnomAD v4.1: 7 of 1,613,654 alleles (0.00043%); highest among the groups gnomAD compares: South Asian, 0.0077%; no homozygotes.

Submissions (2):

Clinical Biochemistry Laboratory, Health Services Laboratory
Classification: Likely pathogenic for Testosterone 17-beta-dehydrogenase deficiency. Last evaluated: 2023-11-20. Review status: criteria provided, single submitter. Criteria: ACMG Guidelines, 2015. Collection method: clinical testing. Allele origin: germline. Affected: yes.
Comment: ACMG:PM1 PM2 PP1 PP2 PP3 PP4 PP5

OMIM
Classification: Pathogenic for 17-BETA HYDROXYSTEROID DEHYDROGENASE III DEFICIENCY. Last evaluated: 1998-08-01. Review status: no assertion criteria provided. Collection method: literature only. Allele origin: germline. Not counted in ClinVar's aggregate classification.

Literature cited by the submitters: PubMed 9709959 (cited by OMIM).

NM_000197.2(HSD17B3):c.166G>A (p.Ala56Thr)

Genes: SLC35D2-HSD17B3 (SLC35D2-HSD17B3 readthrough; minus strand), HSD17B3 (hydroxysteroid 17-beta dehydrogenase 3; minus strand). Cytogenetic location: 9q22.32.
Variant type: single nucleotide variant.
Coding change: c.166G>A on transcript NM_000197.2 (MANE Select); coding-DNA position 166, G replaced by A.
Protein change: p.Ala56Thr; replaces alanine 56 with threonine.
Molecular consequence: missense variant.
Genome position (GRCh38, 1-based): chr9:96,298,451, C>T on the plus strand (G>A on the coding strand, the complement: HSD17B3 is on the minus strand). VCF-style: chr9-96298451-C-T. GRCh37 (hg19) VCF-style: chr9-99060733-C-T.
Other names: c.166G>A (NM_000197.1); short protein forms A56T.
Identifiers: ClinVar variation 4879 (VCV000004879.2), dbSNP rs119481078, ClinGen allele CA117115.